The following is an entry in ClinVar:

ClinVar aggregate classification (germline): Likely benign (0 of 4 stars; one submission).

Conditions:
SLC22A4-related disorder. Also called: SLC22A4-related condition.

Submission:

PreventionGenetics, part of Exact Sciences
Classification: Likely benign for SLC22A4-related condition. Last evaluated: 2020-07-21. Review status: no assertion criteria provided. Collection method: clinical testing. Allele origin: germline.
Comment: This variant is classified as likely benign based on ACMG/AMP sequence variant interpretation guidelines (Richards et al. 2015 PMID: 25741868, with internal and published modifications).

NM_003059.3(SLC22A4):c.*5A>G

Genes: MIR3936HG (MIR3936 host gene; minus strand), SLC22A4 (solute carrier family 22 member 4; plus strand). Cytogenetic location: 5q31.1.
Variant type: single nucleotide variant.
Coding change: c.*5A>G on transcript NM_003059.3 (MANE Select); 5 bases downstream of the stop codon, A replaced by G.
Molecular consequence: 3 prime UTR variant.
Genome position (GRCh38, 1-based): chr5:132,343,840, A>G. VCF-style: chr5-132343840-A-G. GRCh37 (hg19) VCF-style: chr5-131679533-A-G.
Identifiers: ClinVar variation 3035927 (VCV003035927.2), dbSNP rs2532058482, ClinGen allele CA2675193805.